The following is an entry in ClinVar:

NM_001365276.2(TNXB):c.5757C>T (p.Asp1919=)

Gene: TNXB (tenascin XB; minus strand). Cytogenetic location: 6p21.33.
Variant type: single nucleotide variant.
Coding change: c.5757C>T on transcript NM_001365276.2 (MANE Select); coding-DNA position 5757, C replaced by T.
Protein change: p.Asp1919=; no amino-acid change (aspartic acid 1919 retained).
Molecular consequence: synonymous variant.
Genome position (GRCh38, 1-based): chr6:32,068,967, G>A on the plus strand (C>T on the coding strand, the complement: TNXB is on the minus strand). VCF-style: chr6-32068967-G-A. GRCh37 (hg19) VCF-style: chr6-32036744-G-A.
Other names: c.5757C>T, p.Asp1919= (NM_019105.8).
Identifiers: ClinVar variation 1702339 (VCV001702339.8), dbSNP rs371329474, ClinGen allele CA3734613.

ClinVar aggregate classification (germline): Conflicting classifications of pathogenicity. Review status: criteria provided, conflicting classifications (1 of 4 stars). 4 submissions from 4 submitters: Uncertain significance (1); Likely benign (2). 1 of the submissions does not count toward it. Last evaluated 2025-11-16.

Conditions:
TNXB-related disorder. Also called: TNXB-related condition.
Ehlers-Danlos syndrome (EDS). Identifiers: Orphanet 98249, MedGen C0013720, MONDO:0020066.
Cardiovascular phenotype. Identifiers: MedGen CN230736.

Allele frequency attached by ClinVar (database versions not stated): gnomAD 0.00002 and 0.00003; TOPMed 0.00003; gnomAD exomes 0.00004 and 0.00005; ExAC 0.00007; ESP Exome Variant Server 0.00013; 1000 Genomes Project 30x 0.00016; 1000 Genomes Project 0.00020.
gnomAD v4.1: 54 of 1,612,892 alleles (0.0033%); highest among the groups gnomAD compares: East Asian, 0.062%; no homozygotes.

Submissions (4):

Labcorp Genetics (formerly Invitae), Labcorp
Classification: Likely benign. Last evaluated: 2025-11-16. Review status: criteria provided, single submitter. Criteria: Invitae Variant Classification Sherloc (09022015). Collection method: clinical testing. Allele origin: germline.

Genome Diagnostics Laboratory, The Hospital for Sick Children
Classification: Uncertain significance for Ehlers-Danlos syndrome. Last evaluated: 2021-02-05. Review status: criteria provided, single submitter. Criteria: ACMG Guidelines, 2015. Collection method: clinical testing. Allele origin: germline.

Ambry Genetics
Classification: Likely benign for Cardiovascular phenotype. Last evaluated: 2019-11-04. Review status: criteria provided, single submitter. Criteria: Ambry Variant Classification Scheme 2023. Collection method: clinical testing. Allele origin: germline.

PreventionGenetics, part of Exact Sciences
Classification: Likely benign for TNXB-related condition. Last evaluated: 2019-04-30. Review status: no assertion criteria provided. Collection method: clinical testing. Allele origin: germline. Not counted in ClinVar's aggregate classification.
Comment: This variant is classified as likely benign based on ACMG/AMP sequence variant interpretation guidelines (Richards et al. 2015 PMID: 25741868, with internal and published modifications).